The following is an entry in ClinVar:

ClinVar aggregate classification (germline): Pathogenic (1 of 4 stars; one submission).

gnomAD v4.1: 1 of 1,550,470 alleles (0.000064%); highest among the groups gnomAD compares: Non-Finnish European, 0.000087%; no homozygotes.

Submission:

Labcorp Genetics (formerly Invitae), Labcorp
Classification: Pathogenic. Last evaluated: 2025-08-29. Review status: criteria provided, single submitter. Criteria: Invitae Variant Classification Sherloc (09022015). Collection method: clinical testing. Allele origin: germline.
Comment: This sequence change creates a premature translational stop signal (p.Glu3034*) in the UNC80 gene. It is expected to result in an absent or disrupted protein product. Loss-of-function variants in UNC80 are known to be pathogenic (PMID: 26545877, 26708751, 26708753). This variant is not present in population databases (gnomAD no frequency). This variant has not been reported in the literature in individuals affected with UNC80-related conditions. Algorithms developed to predict the effect of sequence changes on RNA splicing suggest that this variant may disrupt the consensus splice site. For these reasons, this variant has been classified as Pathogenic.

Literature cited by the submitters: PubMed 26545877; PubMed 26708751; PubMed 26708753.

NM_001371986.1(UNC80):c.9298G>T (p.Glu3100Ter)

Gene: UNC80 (unc-80 subunit of NALCN channel complex; plus strand). Cytogenetic location: 2q34.
Variant type: single nucleotide variant.
Coding change: c.9298G>T on transcript NM_001371986.1 (MANE Select); coding-DNA position 9298, G replaced by T.
Protein change: p.Glu3100Ter; replaces glutamic acid 3100 with a stop codon.
Molecular consequence: nonsense. On other transcripts: intron variant (1).
Genome position (GRCh38, 1-based): chr2:209,984,896, G>T. VCF-style: chr2-209984896-G-T. GRCh37 (hg19) VCF-style: chr2-210849620-G-T.
Other names: c.9100G>T, p.Glu3034Ter (NM_032504.2); c.9044+2579G>T (NM_182587.4); short protein forms E3034*, E3100*.
Identifiers: ClinVar variation 4726180 (VCV004726180.1).